The following is an entry in ClinVar:

NM_001734.5(C1S):c.394A>G (p.Ile132Val)

Gene: C1S (complement C1s; plus strand). Cytogenetic location: 12p13.31.
Variant type: single nucleotide variant.
Coding change: c.394A>G on transcript NM_001734.5 (MANE Select); coding-DNA position 394, A replaced by G.
Protein change: p.Ile132Val; replaces isoleucine 132 with valine.
Molecular consequence: missense variant. On other transcripts: 5 prime UTR variant (1).
Genome position (GRCh38, 1-based): chr12:7,064,269, A>G. VCF-style: chr12-7064269-A-G. GRCh37 (hg19) VCF-style: chr12-7171573-A-G.
Other names: c.394A>G (NM_201442.2); c.-108A>G (NM_001346850.2); c.394A>G, p.Ile132Val (NM_201442.4); short protein forms I132V.
Identifiers: ClinVar variation 1510915 (VCV001510915.38), dbSNP rs1198867920, ClinGen allele CA383691816.

ClinVar aggregate classification (germline): Conflicting classifications of pathogenicity. Review status: criteria provided, conflicting classifications (1 of 4 stars). 5 submissions from 5 submitters: Uncertain significance (3); Likely benign (2). Last evaluated 2026-01-22.

Conditions:
Inborn genetic diseases. Identifiers: MedGen C0950123, MeSH D030342.

Allele frequency attached by ClinVar (database versions not stated): gnomAD 0.00002 and 0.00004; gnomAD exomes 0.00002 and 0.00003; TOPMed 0.00004.
gnomAD v4.1: 46 of 1,613,950 alleles (0.0029%); highest among the groups gnomAD compares: Admixed American, 0.023%; no homozygotes.

Submissions (5):

Labcorp Genetics (formerly Invitae), Labcorp
Classification: Uncertain significance. Last evaluated: 2026-01-22. Review status: criteria provided, single submitter. Criteria: Invitae Variant Classification Sherloc (09022015). Collection method: clinical testing. Allele origin: germline.
Comment: This sequence change replaces isoleucine, which is neutral and non-polar, with valine, which is neutral and non-polar, at codon 132 of the C1S protein (p.Ile132Val). This variant is present in population databases (no rsID available, gnomAD 0.01%). This variant has not been reported in the literature in individuals affected with C1S-related conditions. ClinVar contains an entry for this variant (Variation ID: 1510915). An algorithm developed to predict the effect of missense changes on protein structure and function outputs the following: PolyPhen-2: "Benign". The valine amino acid residue is found in multiple mammalian species, which suggests that this missense change does not adversely affect protein function. In summary, the available evidence is currently insufficient to determine the role of this variant in disease. Therefore, it has been classified as a Variant of Uncertain Significance.

Women's Health and Genetics/Laboratory Corporation of America, LabCorp
Classification: Uncertain significance. Last evaluated: 2025-05-28. Review status: criteria provided, single submitter. Criteria: LabCorp Variant Classification Summary - May 2015. Collection method: clinical testing. Allele origin: germline.
Comment: Variant summary: C1S c.394A>G (p.Ile132Val) results in a conservative amino acid change in the encoded protein sequence. Algorithms developed to predict the effect of missense changes on protein structure and function all suggest that this variant is likely to be tolerated. Consensus agreement among computation tools predict no significant impact on normal splicing. However, these predictions have yet to be confirmed by functional studies. The variant allele was found at a frequency of 2e-05 in 251432 control chromosomes. The available data on variant occurrences in the general population are insufficient to allow any conclusion about variant significance. To our knowledge, no occurrence of c.394A>G in individuals affected with Complement component C1s deficiency and no experimental evidence demonstrating its impact on protein function have been reported. ClinVar contains an entry for this variant (Variation ID: 1510915). Based on the evidence outlined above, the variant was classified as uncertain significance.

Ambry Genetics
Classification: Likely benign for Inborn genetic diseases. Last evaluated: 2023-09-20. Review status: criteria provided, single submitter. Criteria: Ambry Variant Classification Scheme 2023. Collection method: clinical testing. Allele origin: germline.

CeGaT Center for Human Genetics Tuebingen
Classification: Likely benign. Last evaluated: 2022-12-01. Review status: criteria provided, single submitter. Criteria: CeGaT Center For Human Genetics Tuebingen Variant Classification Criteria Version 2. Collection method: clinical testing. Allele origin: germline. Affected: yes. Observed: 1 variant allele.
Comment: C1S: BP4

Revvity Omics, Revvity
Classification: Uncertain significance. Last evaluated: 2020-04-05. Review status: criteria provided, single submitter. Criteria: ACMG Guidelines, 2015. Collection method: clinical testing. Allele origin: germline.